The following is an entry in ClinVar:

NM_018489.3(ASH1L):c.7210T>A (p.Ser2404Thr)

Gene: ASH1L (ASH1 like histone lysine methyltransferase; minus strand). Cytogenetic location: 1q22.
Variant type: single nucleotide variant.
Coding change: c.7210T>A on transcript NM_018489.3 (MANE Select); coding-DNA position 7210, T replaced by A.
Protein change: p.Ser2404Thr; replaces serine 2404 with threonine.
Molecular consequence: missense variant.
Genome position (GRCh38, 1-based): chr1:155,354,476, A>T on the plus strand (T>A on the coding strand, the complement: ASH1L is on the minus strand). VCF-style: chr1-155354476-A-T. GRCh37 (hg19) VCF-style: chr1-155324267-A-T.
Other names: c.7225T>A, p.Ser2409Thr (NM_001366177.2); short protein forms S2404T, S2409T.
Identifiers: ClinVar variation 1690577 (VCV001690577.2), dbSNP rs767886572, ClinGen allele CA342747538.
Genomic context (GRCh38, chr1:155,354,476, plus strand): 5'-CTGGGCAACAAGAGTGAAACTCTGTCTCAAAAAAAAGAAATGTTTCAAATGCCTTACCAG[A>T]CTTGATATTCCCATCATCTCGGCAGATCCCATTCCAACGGGTATATAATGATGCTGAGTG-3'
Protein context (NP_060959.2, residues 2394-2414): GICRDDGNIK[Ser2404Thr]DVFMTQFSAL

ClinVar aggregate classification (germline): Uncertain significance (1 of 4 stars; one submission).

Allele frequency attached by ClinVar (database versions not stated): TOPMed 0.00001.

Submission:

Laboratorio de Genetica e Diagnostico Molecular, Hospital Israelita Albert Einstein
Classification: Uncertain significance. Last evaluated: 2022-03-08. Review status: criteria provided, single submitter. Criteria: ACMG Guidelines, 2015. Collection method: clinical testing. Allele origin: germline. Affected: yes.
Comment: ACMG classification criteria: PM2